The following is an entry in ClinVar:

ClinVar aggregate classification (germline): Likely pathogenic. Review status: criteria provided, single submitter (1 of 4 stars). 2 submissions from 2 submitters: Likely pathogenic (1). 1 of the submissions does not count toward it. Last evaluated 2024-02-01.

Conditions:
Landau-Kleffner syndrome (FESD). Also called: EPILEPSY, FOCAL, WITH SPEECH DISORDER AND WITH OR WITHOUT MENTAL RETARDATION; APHASIA, ACQUIRED, WITH EPILEPSY. Identifiers: Orphanet 1945, Orphanet 725, Orphanet 98818, MedGen C0282512, MONDO:0009509, OMIM 245570.
Self-limited epilepsy with centrotemporal spikes. Also called: Rolandic epilepsy; Childhood epilepsy with centrotemporal spikes. Identifiers: Orphanet 1945, MedGen C0376532, MONDO:0007295.

Submissions (2):

Labcorp Genetics (formerly Invitae), Labcorp
Classification: Likely pathogenic for Landau-Kleffner syndrome. Last evaluated: 2024-02-01. Review status: criteria provided, single submitter. Criteria: Invitae Variant Classification Sherloc (09022015). Collection method: clinical testing. Allele origin: germline.
Comment: This sequence change replaces isoleucine, which is neutral and non-polar, with asparagine, which is neutral and polar, at codon 461 of the GRIN2A protein (p.Ile461Asn). This variant is not present in population databases (gnomAD no frequency). This missense change has been observed in individuals with early onset epilepsy (Invitae). ClinVar contains an entry for this variant (Variation ID: 560645). Advanced modeling of protein sequence and biophysical properties (such as structural, functional, and spatial information, amino acid conservation, physicochemical variation, residue mobility, and thermodynamic stability) performed at Invitae indicates that this missense variant is expected to disrupt GRIN2A protein function with a positive predictive value of 95%. In summary, the currently available evidence indicates that the variant is pathogenic, but additional data are needed to prove that conclusively. Therefore, this variant has been classified as Likely Pathogenic.

Clinical Molecular Genetics Laboratory, Johns Hopkins All Children's Hospital
Classification: Uncertain significance for Rolandic epilepsy. Last evaluated: 2017-03-13. Review status: no assertion criteria provided. Collection method: clinical testing. Allele origin: germline. Affected: yes. Not counted in ClinVar's aggregate classification.

NM_001134407.3(GRIN2A):c.1382T>A (p.Ile461Asn)

Gene: GRIN2A (glutamate ionotropic receptor NMDA type subunit 2A; minus strand). Cytogenetic location: 16p13.2.
Variant type: single nucleotide variant.
Coding change: c.1382T>A on transcript NM_001134407.3 (MANE Select); coding-DNA position 1382, T replaced by A.
Protein change: p.Ile461Asn; replaces isoleucine 461 with asparagine.
Molecular consequence: missense variant.
Genome position (GRCh38, 1-based): chr16:9,841,051, A>T on the plus strand (T>A on the coding strand, the complement: GRIN2A is on the minus strand). VCF-style: chr16-9841051-A-T. GRCh37 (hg19) VCF-style: chr16-9934908-A-T.
Other names: c.1382T>A, p.Ile461Asn (NM_000833.5, NM_001134408.2); short protein forms I461N.
Identifiers: ClinVar variation 560645 (VCV000560645.9), dbSNP rs1567337914, ClinGen allele CA394800772.
Genomic context (GRCh38, chr16:9,841,051, plus strand): 5'-GTCACCAGATAGAGGTCGTAAGTAAACTTCACAGTTCTGGAAAGCTTCTTCAGAATATCA[A>T]TGCAGAACCCCTTGCAGCATTTCTTCACATTCATCCCCTCATTGGTTGAATTGCTGTAAA-3'
Protein context (NP_001127879.1, residues 451-471): NVKKCCKGFC[Ile461Asn]DILKKLSRTV